The following is an entry in ClinVar:

NM_000203.5(IDUA):c.1403-6C>G

Gene: IDUA (alpha-L-iduronidase; plus strand). Cytogenetic location: 4p16.3.
Variant type: single nucleotide variant.
Coding change: c.1403-6C>G on transcript NM_000203.5 (MANE Select); 6 bases into the intron before coding-DNA position 1403, C replaced by G.
Molecular consequence: intron variant.
Genome position (GRCh38, 1-based): chr4:1,003,030, C>G. VCF-style: chr4-1003030-C-G. GRCh37 (hg19) VCF-style: chr4-996818-C-G.
Other names: c.1007-6C>G (NM_001363576.1).
Identifiers: ClinVar variation 809608 (VCV000809608.47), dbSNP rs764919689, ClinGen allele CA2802248.

ClinVar aggregate classification (germline): Conflicting classifications of pathogenicity. Review status: criteria provided, conflicting classifications (1 of 4 stars). 3 submissions from 3 submitters: Uncertain significance (2); Likely benign (1). Last evaluated 2026-01-28.

Conditions:
Mucopolysaccharidosis type 1. Also called: Mucopolysaccharidosis Type I; IDUA deficiency; MPS I. Identifiers: Orphanet 579, MedGen C0023786, MONDO:0001586.

Allele frequency attached by ClinVar (database versions not stated): gnomAD 0.00005 and 0.00006; TOPMed 0.00007; gnomAD exomes 0.00010; ExAC 0.00036.
gnomAD v4.1: 80 of 1,489,318 alleles (0.0054%); highest among the groups gnomAD compares: Middle Eastern, 0.087%; 1 homozygote.

Submissions (3):

Labcorp Genetics (formerly Invitae), Labcorp
Classification: Likely benign for Mucopolysaccharidosis type 1. Last evaluated: 2026-01-28. Review status: criteria provided, single submitter. Criteria: Invitae Variant Classification Sherloc (09022015). Collection method: clinical testing. Allele origin: germline.

GeneDx
Classification: Uncertain significance. Last evaluated: 2023-09-06. Review status: criteria provided, single submitter. Criteria: GeneDx Variant Classification Process June 2021. Collection method: clinical testing. Allele origin: germline. Affected: yes.
Comment: In silico analysis supports that this variant does not alter splicing; Has not been previously published as pathogenic or benign to our knowledge

CeGaT Center for Human Genetics Tuebingen
Classification: Uncertain significance. Last evaluated: 2019-03-01. Review status: criteria provided, single submitter. Criteria: CeGaT Center For Human Genetics Tuebingen Variant Classification Criteria Version 2. Collection method: clinical testing. Allele origin: germline. Affected: yes. Observed: 1 variant allele.